The following is an entry in ClinVar:

NM_025179.4(PLXNA2):c.5106T>C (p.Thr1702=)

Gene: PLXNA2 (plexin A2; minus strand). Cytogenetic location: 1q32.2.
Variant type: single nucleotide variant.
Coding change: c.5106T>C on transcript NM_025179.4 (MANE Select); coding-DNA position 5106, T replaced by C.
Protein change: p.Thr1702=; no amino-acid change (threonine 1702 retained).
Molecular consequence: synonymous variant.
Genome position (GRCh38, 1-based): chr1:208,031,709, A>G on the plus strand (T>C on the coding strand, the complement: PLXNA2 is on the minus strand). VCF-style: chr1-208031709-A-G. GRCh37 (hg19) VCF-style: chr1-208205054-A-G.
Other names: c.5106T>C (NM_025179.3).
Identifiers: ClinVar variation 3009866 (VCV003009866.4), dbSNP rs56168065, ClinGen allele CA422978804.

ClinVar aggregate classification (germline): Likely benign. Review status: criteria provided, multiple submitters, no conflicts (2 of 4 stars). 2 submissions from 2 submitters: Likely benign (2). Last evaluated 2025-02-06.

Conditions:
PLXNA2-related disorder. Also called: PLXNA2-related condition.

gnomAD v4.1: 24 of 1,613,280 alleles (0.0015%); highest among the groups gnomAD compares: Non-Finnish European, 0.0019%; no homozygotes.

Submissions (2):

PreventionGenetics, part of Exact Sciences
Classification: Likely benign for PLXNA2-related condition. Last evaluated: 2025-02-06. Review status: criteria provided, single submitter. Criteria: ACMG Guidelines, 2015. Collection method: clinical testing. Allele origin: germline.
Comment: This variant is classified as likely benign based on ACMG/AMP sequence variant interpretation guidelines (Richards et al. 2015 PMID: 25741868, with internal and published modifications).

Labcorp Genetics (formerly Invitae), Labcorp
Classification: Likely benign. Last evaluated: 2023-05-16. Review status: criteria provided, single submitter. Criteria: Invitae Variant Classification Sherloc (09022015). Collection method: clinical testing. Allele origin: germline.